The following is an entry in ClinVar:

ClinVar aggregate classification (germline): Uncertain significance (1 of 4 stars; one submission).

Submission:

Labcorp Genetics (formerly Invitae), Labcorp
Classification: Uncertain significance. Last evaluated: 2025-09-25. Review status: criteria provided, single submitter. Criteria: Invitae Variant Classification Sherloc (09022015). Collection method: clinical testing. Allele origin: germline.
Comment: This sequence change creates a premature translational stop signal (p.Glu32Argfs*42) in the ANKRD26 gene. It is expected to result in an absent or disrupted protein product. However, the current clinical and genetic evidence is not sufficient to establish whether loss-of-function variants in ANKRD26 cause disease. The frequency data for this variant in the population databases is considered unreliable, as metrics indicate poor data quality at this position in the gnomAD database. This variant has not been reported in the literature in individuals affected with ANKRD26-related conditions. ClinVar contains an entry for this variant (Variation ID: 3710064). In summary, the available evidence is currently insufficient to determine the role of this variant in disease. Therefore, it has been classified as a Variant of Uncertain Significance.

NM_014915.3(ANKRD26):c.94del (p.Glu32fs)

Genes: ANKRD26 (ankyrin repeat domain 26; minus strand), LOC130003554 (ATAC-STARR-seq lymphoblastoid silent region 2243; plus strand). Cytogenetic location: 10p12.1.
Variant type: Deletion.
Coding change: c.94del on transcript NM_014915.3 (MANE Select); coding-DNA position 94, one base deleted (G; older notation c.94delG).
Protein change: p.Glu32fs; shifts the reading frame from glutamic acid 32.
Molecular consequence: frameshift variant.
Genome position (GRCh38, 1-based): chr10:27,100,233, C deleted on the plus strand (G on the coding strand, the reverse complement: ANKRD26 is on the minus strand); the first of 5 consecutive C bases (chr10:27,100,233-27,100,237); deleting any one gives the same sequence. VCF-style (leftmost placement, unchanged base first): chr10-27100232-TC-T. GRCh37 (hg19) VCF-style: chr10-27389161-TC-T.
Other names: c.94del, p.Glu32fs (NM_001256053.2); short protein forms E32fs.
Identifiers: ClinVar variation 3710064 (VCV003710064.2).